The following is an entry in ClinVar:

NM_001161352.2(KCNMA1):c.3241G>A (p.Ala1081Thr)

Genes: KCNMA1 (potassium calcium-activated channel subfamily M alpha 1; minus strand), KCNMA1-AS1 (KCNMA1 antisense RNA 1; plus strand). Cytogenetic location: 10q22.3.
Variant type: single nucleotide variant.
Coding change: c.3241G>A on transcript NM_001161352.2 (MANE Select); coding-DNA position 3241, G replaced by A.
Protein change: p.Ala1081Thr; replaces alanine 1081 with threonine.
Molecular consequence: missense variant.
Genome position (GRCh38, 1-based): chr10:76,891,626, C>T on the plus strand (G>A on the coding strand, the complement: KCNMA1 is on the minus strand). VCF-style: chr10-76891626-C-T. GRCh37 (hg19) VCF-style: chr10-78651384-C-T.
Other names: c.3079G>A, p.Ala1027Thr (NM_001014797.3); c.3190G>A, p.Ala1064Thr (NM_001161353.2); c.2917G>A, p.Ala973Thr (NM_001271518.2); c.3157G>A, p.Ala1053Thr (NM_001271519.2); c.3076G>A, p.Ala1026Thr (NM_001322829.2, NM_001322836.2); c.3169G>A, p.Ala1057Thr (NM_001322830.2); c.3067G>A, p.Ala1023Thr (NM_001322832.2, NM_001410940.1, NM_002247.4); c.3160G>A, p.Ala1054Thr (NM_001322835.2, NM_001322837.2); and 1 more; short protein forms A1027T, A1023T, A1057T, A872T, A1026T, A1054T, A1053T, A1064T.
Identifiers: ClinVar variation 2160997 (VCV002160997.27), dbSNP rs773135310, ClinGen allele CA5567883.

ClinVar aggregate classification (germline): Uncertain significance. Review status: criteria provided, multiple submitters, no conflicts (2 of 4 stars). 2 submissions from 2 submitters: Uncertain significance (2). Last evaluated 2024-11-10.

Conditions:
Generalized epilepsy-paroxysmal dyskinesia syndrome (PNKD3). Also called: Generalized epilepsy and paroxysmal dyskinesia; Paroxysmal nonkinesigenic dyskinesia, 3, with or without generalized epilepsy. Identifiers: Orphanet 79137, MedGen C5574945, MONDO:0012276, OMIM 609446.

Allele frequency attached by ClinVar (database versions not stated): ExAC 0.00001; gnomAD exomes 0.00001; TOPMed 0.00001; gnomAD 0.00002.
gnomAD v4.1: 14 of 1,613,964 alleles (0.00087%); highest among the groups gnomAD compares: Admixed American, 0.012%; no homozygotes.

Submissions (2):

Labcorp Genetics (formerly Invitae), Labcorp
Classification: Uncertain significance for Generalized epilepsy-paroxysmal dyskinesia syndrome. Last evaluated: 2024-11-10. Review status: criteria provided, single submitter. Criteria: Invitae Variant Classification Sherloc (09022015). Collection method: clinical testing. Allele origin: germline.
Comment: This sequence change replaces alanine, which is neutral and non-polar, with threonine, which is neutral and polar, at codon 1023 of the KCNMA1 protein (p.Ala1023Thr). This variant is present in population databases (rs773135310, gnomAD 0.003%). This variant has not been reported in the literature in individuals affected with KCNMA1-related conditions. ClinVar contains an entry for this variant (Variation ID: 2160997). Invitae Evidence Modeling of protein sequence and biophysical properties (such as structural, functional, and spatial information, amino acid conservation, physicochemical variation, residue mobility, and thermodynamic stability) indicates that this missense variant is not expected to disrupt KCNMA1 protein function with a negative predictive value of 80%. In summary, the available evidence is currently insufficient to determine the role of this variant in disease. Therefore, it has been classified as a Variant of Uncertain Significance.

CeGaT Center for Human Genetics Tuebingen
Classification: Uncertain significance. Last evaluated: 2023-11-01. Review status: criteria provided, single submitter. Criteria: CeGaT Center For Human Genetics Tuebingen Variant Classification Criteria Version 2. Collection method: clinical testing. Allele origin: germline. Affected: yes. Observed: 1 variant allele.
Comment: KCNMA1: PM2, PP2